The following is an entry in ClinVar:

ClinVar aggregate classification (germline): Uncertain significance (1 of 4 stars; one submission).

Conditions:
Malignant hyperthermia, susceptibility to, 1 (MHS1). Also called: Anesthesia related hyperthermia; Malignant hyperpyrexia; Fulminating hyperpyrexia; Pharmacogenic myopathy; RYR1-Related Malignant Hyperthermia Susceptibility; Malignant hyperthermia suceptibility 1. Identifiers: Orphanet 423, MedGen C2930980, MONDO:0007783, OMIM 145600.

Submission:

All of Us Research Program, National Institutes of Health
Classification: Uncertain significance for Malignant hyperthermia, susceptibility to, 1. Last evaluated: 2023-11-20. Review status: criteria provided, single submitter. Criteria: ACMG Guidelines, 2015. Collection method: clinical testing. Allele origin: germline. Inheritance: Autosomal dominant inheritance. Observed: 1 variant allele, 1 heterozygote.
Comment: This missense variant replaces methionine with threonine at codon 940 of the RYR1 protein. Computational prediction is inconclusive regarding the impact of this variant on protein structure and function (internally defined REVEL score threshold 0.5 < inconclusive < 0.7, PMID: 27666373). To our knowledge, functional studies have not been reported for this variant. This variant has not been reported in individuals affected with RYR1-related disorders in the literature. This variant has not been identified in the general population by the Genome Aggregation Database (gnomAD). The available evidence is insufficient to determine the role of this variant in disease conclusively. Therefore, this variant is classified as a Variant of Uncertain Significance.

This study involves interpretation of variants in research participants for the purpose of population health screening. Participant phenotype was not available at the time of variant classification. Additional details can be found in publication PMID: 35346344, PMCID: PMC8962531

NM_000540.3(RYR1):c.2819T>C (p.Met940Thr)

Gene: RYR1 (ryanodine receptor 1; plus strand). Cytogenetic location: 19q13.2.
Variant type: single nucleotide variant.
Coding change: c.2819T>C on transcript NM_000540.3 (MANE Select); coding-DNA position 2819, T replaced by C.
Protein change: p.Met940Thr; replaces methionine 940 with threonine.
Molecular consequence: missense variant.
Genome position (GRCh38, 1-based): chr19:38,464,671, T>C. VCF-style: chr19-38464671-T-C. GRCh37 (hg19) VCF-style: chr19-38955311-T-C.
Other names: c.2819T>C, p.Met940Thr (NM_001042723.2); short protein forms M940T.
Identifiers: ClinVar variation 3074647 (VCV003074647.1), dbSNP rs2514083990, ClinGen allele CA405633427.